The following is an entry in ClinVar:

ClinVar aggregate classification (germline): Uncertain significance (1 of 4 stars; one submission).

Conditions:
Hyperkalemic periodic paralysis. Also called: Familial hyperkalemic periodic paralysis; Gamstorp disease. Identifiers: Orphanet 682, MedGen C0238357, MONDO:0008224, OMIM 170500, HP:0007215.

Submission:

Labcorp Genetics (formerly Invitae), Labcorp
Classification: Uncertain significance for Hyperkalemic periodic paralysis. Last evaluated: 2024-07-29. Review status: criteria provided, single submitter. Criteria: Invitae Variant Classification Sherloc (09022015). Collection method: clinical testing. Allele origin: germline.
Comment: This variant, c.923_958del, results in the deletion of 12 amino acid(s) of the SCN4A protein (p.Gly308_Tyr319del), but otherwise preserves the integrity of the reading frame. This variant is present in population databases (rs776326538, gnomAD 0.006%). This variant has not been reported in the literature in individuals affected with SCN4A-related conditions. ClinVar contains an entry for this variant (Variation ID: 1513417). Experimental studies and prediction algorithms are not available or were not evaluated, and the functional significance of this variant is currently unknown. In summary, the available evidence is currently insufficient to determine the role of this variant in disease. Therefore, it has been classified as a Variant of Uncertain Significance.

NM_000334.4(SCN4A):c.923_958del (p.Gly308_Tyr319del)

Gene: SCN4A (sodium voltage-gated channel alpha subunit 4; minus strand). Cytogenetic location: 17q23.3.
Variant type: Deletion.
Coding change: c.923_958del on transcript NM_000334.4 (MANE Select); coding-DNA positions 923 to 958, 36 bases deleted.
Protein change: p.Gly308_Tyr319del.
Molecular consequence: inframe deletion.
Genome position (GRCh38, 1-based): chr17:63,968,101-63,968,136, 36 bases deleted; deleting any 36 consecutive bases within chr17:63,968,101-63,968,145 gives the same sequence; the c. name uses the placement nearest the transcript's 3' end. GRCh37 (hg19): chr17:62,045,470-62,045,505.
Identifiers: ClinVar variation 1513417 (VCV001513417.13), dbSNP rs776326538, ClinGen allele CA8709986.